The following is an entry in ClinVar:

NM_004725.4(BUB3):c.221G>C (p.Gly74Ala)

Gene: BUB3 (BUB3 mitotic checkpoint protein; plus strand). Cytogenetic location: 10q26.13.
Variant type: single nucleotide variant.
Coding change: c.221G>C on transcript NM_004725.4 (MANE Select); coding-DNA position 221, G replaced by C.
Protein change: p.Gly74Ala; replaces glycine 74 with alanine.
Molecular consequence: missense variant.
Genome position (GRCh38, 1-based): chr10:123,155,683, G>C. VCF-style: chr10-123155683-G-C. GRCh37 (hg19) VCF-style: chr10-124915199-G-C.
Other names: c.221G>C, p.Gly74Ala (NM_001007793.3); short protein forms G74A.
Identifiers: ClinVar variation 1787911 (VCV001787911.2), dbSNP rs767697511, ClinGen allele CA5731541.

ClinVar aggregate classification (germline): Uncertain significance (1 of 4 stars; one submission).

Allele frequency attached by ClinVar (database versions not stated): ExAC 0.00001; gnomAD exomes 0.00001.
gnomAD v4.1: 5 of 1,614,082 alleles (0.00031%); highest among the groups gnomAD compares: Non-Finnish European, 0.00042%; no homozygotes.

Submission:

Ambry Genetics
Classification: Uncertain significance. Last evaluated: 2022-08-03. Review status: criteria provided, single submitter. Criteria: Ambry Variant Classification Scheme 2023. Collection method: clinical testing. Allele origin: germline.
Comment: The p.G74A variant (also known as c.221G>C), located in coding exon 2 of the BUB3 gene, results from a G to C substitution at nucleotide position 221. The glycine at codon 74 is replaced by alanine, an amino acid with similar properties. This amino acid position is conserved. In addition, the in silico prediction for this alteration is inconclusive. Since supporting evidence is limited at this time, the clinical significance of this alteration remains unclear.